The following is an entry in ClinVar:

ClinVar aggregate classification (germline): Uncertain significance (1 of 4 stars; one submission).

Conditions:
Intellectual disability, CASK-related, X-linked. Identifiers: MedGen CN043158.

Submission:

Labcorp Genetics (formerly Invitae), Labcorp
Classification: Uncertain significance for Intellectual disability, CASK-related, X-linked. Last evaluated: 2023-11-08. Review status: criteria provided, single submitter. Criteria: Invitae Variant Classification Sherloc (09022015). Collection method: clinical testing. Allele origin: germline.
Comment: This sequence change falls in intron 22 of the CASK gene. It does not directly change the encoded amino acid sequence of the CASK protein. It affects a nucleotide within the consensus splice site. This variant is present in population databases (rs752382791, gnomAD 0.004%). This variant has not been reported in the literature in individuals affected with CASK-related conditions. Variants that disrupt the consensus splice site are a relatively common cause of aberrant splicing (PMID: 17576681, 9536098). Algorithms developed to predict the effect of sequence changes on RNA splicing suggest that this variant is not likely to affect RNA splicing. In summary, the available evidence is currently insufficient to determine the role of this variant in disease. Therefore, it has been classified as a Variant of Uncertain Significance.

Literature cited by the submitters: PubMed 17576681; PubMed 9536098.

NM_001367721.1(CASK):c.2155+5_2155+6del

Gene: CASK (calcium/calmodulin dependent serine protein kinase; minus strand). Cytogenetic location: Xp11.4.
Variant type: Deletion.
Coding change: c.2155+5_2155+6del on transcript NM_001367721.1 (MANE Select); bases 5 to 6 of the intron after coding-DNA position 2155, 2 bases deleted (GG; older notation c.2155+5_2155+6delGG).
Molecular consequence: intron variant.
Genome position (GRCh38, 1-based): chrX:41,542,685-41,542,686, CC deleted on the plus strand (GG on the coding strand, the reverse complement: CASK is on the minus strand); deleting any 2 consecutive bases within chrX:41,542,685-41,542,687 gives the same sequence; the c. name uses the placement nearest the transcript's 3' end. VCF-style (leftmost placement, unchanged base first): chrX-41542684-TCC-T. GRCh37 (hg19) VCF-style: chrX-41401937-TCC-T.
Other names: c.2068+5_2068+6del (NM_001126055.3); c.2137+5_2137+6del (NM_001410745.1); c.2086+5_2086+6del (NM_001126054.3); c.2155+5_2155+6del (NM_003688.4).
Identifiers: ClinVar variation 2902326 (VCV002902326.3), dbSNP rs752382791, ClinGen allele CA10390074.
Genomic context (GRCh38, chrX:41,542,684, plus strand): 5'-ATATTACATCTTTTTAGGTCTTGGAGATGCTTAACCCAGCCTCAGTAACAGTTGTGCTTT[TCC>T]CTACCTGCATTGTGCTTTGCCAAATATTTATCTTTGTACTGCTTCTTTTTCTTGCCAAAC-3'